The following is an entry in ClinVar:

NM_000492.4(CFTR):c.3140-1G>A

Genes: CFTR (CF transmembrane conductance regulator; plus strand), CFTR-AS2 (CFTR antisense RNA 2; minus strand), LOC111674472 (DNase I hypersensitive sites in introns 16 and 17a of CFTR; plus strand). Cytogenetic location: 7q31.2.
Variant type: single nucleotide variant.
Coding change: c.3140-1G>A on transcript NM_000492.4 (MANE Select); the canonical splice acceptor site of the intron before coding-DNA position 3140, G replaced by A.
Molecular consequence: splice acceptor variant.
Genome position (GRCh38, 1-based): chr7:117,611,580, G>A. VCF-style: chr7-117611580-G-A. GRCh37 (hg19) VCF-style: chr7-117251634-G-A.
Identifiers: ClinVar variation 53661 (VCV000053661.9), dbSNP rs397508506, ClinGen allele CA327060.

ClinVar aggregate classification (germline): Pathogenic/Likely pathogenic. Review status: criteria provided, multiple submitters, no conflicts (2 of 4 stars). 5 submissions from 5 submitters: Pathogenic (1); Likely pathogenic (3). 1 of the submissions does not count toward it. Last evaluated 2026-03-05.

Conditions:
CFTR-related disorder (CFTR-RD). Also called: CFTR-related disorders; CFTR-related condition. Identifiers: MedGen C5924204, MONDO:7770004.
Bronchiectasis with or without elevated sweat chloride 1 (BESC1). Also called: Cystic Fibrosis-Like Syndrome. Identifiers: Orphanet 60033, MedGen C2749757, MONDO:0008887, OMIM 211400.
Cystic fibrosis (CF). Also called: MUCOVISCIDOSIS. Identifiers: Orphanet 586, MedGen C0010674, MONDO:0009061, OMIM 219700. Disease mechanism: loss of function.

Allele frequency attached by ClinVar (database versions not stated): gnomAD exomes below 0.00001.
gnomAD v4.1: 1 of 1,573,606 alleles (0.000064%); highest among the groups gnomAD compares: Non-Finnish European, 0.000087%; no homozygotes.

Submissions (5):

Ambry Genetics
Classification: Likely pathogenic for Cystic fibrosis. Last evaluated: 2026-03-05. Review status: criteria provided, single submitter. Criteria: Ambry Variant Classification Scheme 2023. Collection method: clinical testing. Allele origin: germline.
Comment: The c.3140-1G>A intronic variant results from a G to A substitution one nucleotide upstream from coding exon 20 of the CFTR gene. Variants that disrupt the canonical splice site are expected to result in aberrant splicing. In silico splice site analysis predicts that this alteration will weaken the native splice acceptor site and may result in the creation or strengthening of a novel splice acceptor site. A resulting transcript is predicted to be in-frame and is not expected to trigger nonsense-mediated mRNAdecay; although, direct evidence is unavailable. However, the region predicted to be impacted is critical for protein function (Ambry internal data). This variant has been identified in the homozygous state and/or in conjunction with other CFTR variant(s) in individual(s) with features consistent with cystic fibrosis (Mercier B et al. Genomics, 1993 Apr;16:296-7). Of note, this alteration is also known as 3272-1G>A in published literature. This nucleotide position is highly conserved in available vertebrate species. Based on the majority of available evidence to date, this variant is likely to be pathogenic.

Natera, Inc.
Classification: Likely pathogenic for CFTR-related disorders. Last evaluated: 2024-10-02. Review status: criteria provided, single submitter. Criteria: Natera Variant Classification Schema (03/2026). Collection method: clinical testing. Allele origin: germline.
Comment: The c.3140-1G>A variant in CFTR is a canonical splice acceptor site variant predicted to affect pre-mRNA splicing, which may result in an abnormal transcript and altered protein product. This variant is expected to result in nonsense mediated decay, truncation, or a dysfunctional protein product. This variant is rare in the general population with a frequency below the threshold expected for the associated phenotype(s). Given the available evidence, this variant is classified as Likely Pathogenic.

Baylor Genetics
Classification: Pathogenic for Bronchiectasis with or without elevated sweat chloride 1. Last evaluated: 2023-11-30. Review status: criteria provided, single submitter. Criteria: ACMG Guidelines, 2015. Collection method: clinical testing. Allele origin: unknown.

Revvity Omics, Revvity
Classification: Likely pathogenic. Last evaluated: 2022-01-06. Review status: criteria provided, single submitter. Criteria: ACMG Guidelines, 2015. Collection method: clinical testing. Allele origin: germline.

Counsyl
Classification: Likely pathogenic for Cystic fibrosis. Last evaluated: 2016-12-28. Review status: no assertion criteria provided. Collection method: clinical testing. Allele origin: unknown. Not counted in ClinVar's aggregate classification.

Literature cited by the submitters: PubMed 7683628 (cited by Ambry Genetics and Counsyl).